The following is an entry in ClinVar:

NM_003907.3(EIF2B5):c.241G>A (p.Glu81Lys)

Gene: EIF2B5 (eukaryotic translation initiation factor 2B subunit epsilon; plus strand). Cytogenetic location: 3q27.1.
Variant type: single nucleotide variant.
Coding change: c.241G>A on transcript NM_003907.3 (MANE Select); coding-DNA position 241, G replaced by A.
Protein change: p.Glu81Lys; replaces glutamic acid 81 with lysine.
Molecular consequence: missense variant.
Genome position (GRCh38, 1-based): chr3:184,136,657, G>A. VCF-style: chr3-184136657-G-A. GRCh37 (hg19) VCF-style: chr3-183854445-G-A.
Other names: short protein forms E81K.
Identifiers: ClinVar variation 285116 (VCV000285116.16), dbSNP rs113994047, ClinGen allele CA2726345.

ClinVar aggregate classification (germline): Pathogenic/Likely pathogenic. Review status: criteria provided, multiple submitters, no conflicts (2 of 4 stars). 5 submissions from 5 submitters: Pathogenic (4); Likely pathogenic (1). Last evaluated 2025-03-18.

Conditions:
Vanishing white matter disease. Also called: CACH syndrome; Childhood ataxia with diffuse central nervous system hypomyelination; Leukoencephalopathy with vanishing white matter; CACH/VWM syndrome; Cree leukoencehalopathy. Identifiers: Orphanet 135, Orphanet 99853, MedGen C1858991, MONDO:0800448.
Leukoencephalopathy with vanishing white matter 5 (VWM5). Also called: EIF2B5-Related Childhood Ataxia with Central Nervous System Hypomyelination/Vanishing White Matter; Leukoencephalopathy with vanishing white matter 5, with or without ovarian failure. Identifiers: MedGen C5779973, MONDO:0957873, OMIM 620315.

Allele frequency attached by ClinVar (database versions not stated): ExAC 0.00002; gnomAD exomes 0.00002 and 0.00004; gnomAD 0.00004; TOPMed 0.00004.
gnomAD v4.1: 57 of 1,614,026 alleles (0.0035%); highest among the groups gnomAD compares: Non-Finnish European, 0.0047%; no homozygotes.

Submissions (5):

First Genomix Gene Laboratory, Genetic Diagnostics Department
Classification: Likely pathogenic for Leukoencephalopathy with vanishing white matter 5. Last evaluated: 2025-03-18. Review status: criteria provided, single submitter. Criteria: ACMG Guidelines, 2015. Collection method: clinical testing. Allele origin: germline. Inheritance: Autosomal recessive inheritance. Affected: no. Observed: 1 variant allele.

Natera, Inc.
Classification: Pathogenic for Leukoencephalopathy with vanishing white matter. Last evaluated: 2024-08-14. Review status: criteria provided, single submitter. Criteria: Natera Variant Classification Schema (03/2026). Collection method: clinical testing. Allele origin: germline.
Comment: The c.241G>A variant in EIF2B5 is a missense variant predicted to cause substitution of glutamic acid to lysine at amino acid 81. This variant is rare in the general population with a frequency below the threshold expected for the associated phenotype(s). This variant has been observed in one or more individuals affected with the associated recessive disease, as either homozygous or compound heterozygous with a second variant (PMID: 15136673, 33432707, 27665184, 18263758). Given the available evidence, this variant is classified as Pathogenic.

Labcorp Genetics (formerly Invitae), Labcorp
Classification: Pathogenic. Last evaluated: 2023-06-27. Review status: criteria provided, single submitter. Criteria: Invitae Variant Classification Sherloc (09022015). Collection method: clinical testing. Allele origin: germline.
Comment: For these reasons, this variant has been classified as Pathogenic. Advanced modeling of protein sequence and biophysical properties (such as structural, functional, and spatial information, amino acid conservation, physicochemical variation, residue mobility, and thermodynamic stability) performed at Invitae indicates that this missense variant is expected to disrupt EIF2B5 protein function. ClinVar contains an entry for this variant (Variation ID: 285116). This missense change has been observed in individuals with autosomal recessive leukoencephalopathy with vanishing white matter (PMID: 15054402, 15136673, 18263758, 27665184). This variant is present in population databases (rs113994047, gnomAD 0.004%). This sequence change replaces glutamic acid, which is acidic and polar, with lysine, which is basic and polar, at codon 81 of the EIF2B5 protein (p.Glu81Lys).

Fulgent Genetics
Classification: Pathogenic for Leukoencephalopathy with vanishing white matter 1. Last evaluated: 2021-07-03. Review status: criteria provided, single submitter. Criteria: ACMG Guidelines, 2015. Collection method: clinical testing. Allele origin: unknown.

Eurofins Ntd Llc (ga)
Classification: Pathogenic. Last evaluated: 2015-11-25. Review status: criteria provided, single submitter. Criteria: EGL Classification Definitions 2015. Collection method: clinical testing. Allele origin: germline. Observed: 1 variant allele, 1 heterozygote.

Literature cited by the submitters: PubMed 15136673 (cited by 3 submitters); PubMed 33432707 (cited by Natera, Inc.); PubMed 27665184 (cited by Natera, Inc. and Labcorp Genetics (formerly Invitae), Labcorp); PubMed 18263758 (cited by 3 submitters); PubMed 15054402 (cited by Labcorp Genetics (formerly Invitae), Labcorp).